The following is an entry in ClinVar:

NM_005506.4(SCARB2):c.476T>C (p.Met159Thr)

Gene: SCARB2 (scavenger receptor class B member 2; minus strand). Cytogenetic location: 4q21.1.
Variant type: single nucleotide variant.
Coding change: c.476T>C on transcript NM_005506.4 (MANE Select); coding-DNA position 476, T replaced by C.
Protein change: p.Met159Thr; replaces methionine 159 with threonine.
Molecular consequence: missense variant. On other transcripts: intron variant (1).
Genome position (GRCh38, 1-based): chr4:76,179,653, A>G on the plus strand (T>C on the coding strand, the complement: SCARB2 is on the minus strand). VCF-style: chr4-76179653-A-G. GRCh37 (hg19) VCF-style: chr4-77100806-A-G.
Other names: c.276-3743T>C (NM_001204255.2); short protein forms M159T.
Identifiers: ClinVar variation 4530909 (VCV004530909.1).

ClinVar aggregate classification (germline): Uncertain significance (1 of 4 stars; one submission).

Submission:

GeneDx
Classification: Uncertain significance. Last evaluated: 2025-05-19. Review status: criteria provided, single submitter. Criteria: GeneDx Variant Classification Process June 2021. Collection method: clinical testing. Allele origin: germline. Affected: yes.
Comment: Not observed at significant frequency in large population cohorts (gnomAD); In silico analysis suggests that this missense variant does not alter protein structure/function; Has not been previously published as pathogenic or benign to our knowledge